The following is an entry in ClinVar:

ClinVar aggregate classification (germline): Uncertain significance (1 of 4 stars; one submission).

Conditions:
Hereditary cancer-predisposing syndrome. Also called: Hereditary Cancer Syndrome; Hereditary neoplastic syndrome; Neoplastic Syndromes, Hereditary; Tumor predisposition. Identifiers: Orphanet 140162, MedGen C0027672, MeSH D009386, MONDO:0015356.

Submission:

Ambry Genetics
Classification: Uncertain significance for Hereditary cancer-predisposing syndrome. Last evaluated: 2025-05-15. Review status: criteria provided, single submitter. Criteria: Ambry Variant Classification Scheme 2023. Collection method: clinical testing. Allele origin: germline.
Comment: The p.L1215I variant (also known as c.3643T>A), located in coding exon 7 of the MSH6 gene, results from a T to A substitution at nucleotide position 3643. The leucine at codon 1215 is replaced by isoleucine, an amino acid with highly similar properties. This amino acid position is conserved. In addition, the in silico prediction for this alteration is inconclusive. Based on the available evidence, the clinical significance of this variant remains unclear.

NM_000179.3(MSH6):c.3643T>A (p.Leu1215Ile)

Gene: MSH6 (mutS homolog 6; plus strand). Cytogenetic location: 2p16.3.
Variant type: single nucleotide variant.
Coding change: c.3643T>A on transcript NM_000179.3 (MANE Select); coding-DNA position 3643, T replaced by A.
Protein change: p.Leu1215Ile; replaces leucine 1215 with isoleucine.
Molecular consequence: missense variant. On other transcripts: non-coding transcript variant (5).
Genome position (GRCh38, 1-based): chr2:47,805,704, T>A. VCF-style: chr2-47805704-T-A. GRCh37 (hg19) VCF-style: chr2-48032843-T-A.
Other names: c.3253T>A, p.Leu1085Ile (NM_001281492.2); c.2737T>A, p.Leu913Ile (NM_001281493.2, NM_001281494.2, NM_001406811.1 and 6 more transcripts); c.3739T>A, p.Leu1247Ile (NM_001406795.1, NM_001406802.1); c.3643T>A, p.Leu1215Ile (NM_001406796.1, NM_001406800.1, NM_001406808.1 and 1 more transcripts); c.3346T>A, p.Leu1116Ile (NM_001406797.1, NM_001406801.1, NM_001406805.1 and 10 more transcripts); c.3469T>A, p.Leu1157Ile (NM_001406798.1); c.3118T>A, p.Leu1040Ile (NM_001406799.1, NM_001406806.1, NM_001406807.1); c.2779T>A, p.Leu927Ile (NM_001406803.1); and 7 more; short protein forms L1040I, L1215I, L164I, L530I, L1189I, L1217I, L1247I, L1116I.
Identifiers: ClinVar variation 3913764 (VCV003913764.1).
Genomic context (GRCh38, chr2:47,805,704, plus strand): 5'-AGTGAAACTGCCAGCATACTCATGCATGCAACAGCACATTCTCTGGTGCTTGTGGATGAA[T>A]TAGGTAAGACATTAAACTTCTCATTTGAAGACTATCTATCTTAAAAACATTTGTACAAAT-3'
Protein context (NP_000170.1, residues 1205-1225): TAHSLVLVDE[Leu1215Ile]GRGTATFDGT